The following is an entry in ClinVar:

ClinVar aggregate classification (germline): Pathogenic (1 of 4 stars; one submission).

Submission:

Labcorp Genetics (formerly Invitae), Labcorp
Classification: Pathogenic. Last evaluated: 2021-11-02. Review status: criteria provided, single submitter. Criteria: Invitae Variant Classification Sherloc (09022015). Collection method: clinical testing. Allele origin: germline.
Comment: This sequence change replaces lysine, which is basic and polar, with glutamic acid, which is acidic and polar, at codon 53 of the GNAS protein (p.Lys53Glu). This variant is not present in population databases (gnomAD no frequency). This missense change has been observed in individual(s) with pseudohypoparathyroidism (PMID: 31696922, 31886927). In at least one individual the variant was observed to be de novo. Algorithms developed to predict the effect of missense changes on protein structure and function (SIFT, PolyPhen-2, Align-GVGD) all suggest that this variant is likely to be disruptive. For these reasons, this variant has been classified as Pathogenic.

Literature cited by the submitters: PubMed 31696922; PubMed 31886927.

NM_000516.7(GNAS):c.157A>G (p.Lys53Glu)

Gene: GNAS (GNAS complex locus; plus strand). Cytogenetic location: 20q13.32.
Variant type: single nucleotide variant.
Coding change: c.157A>G on transcript NM_000516.7 (MANE Select); coding-DNA position 157, A replaced by G.
Protein change: p.Lys53Glu; replaces lysine 53 with glutamic acid.
Molecular consequence: missense variant. On other transcripts: 3 prime UTR variant (3), 5 prime UTR variant (2), non-coding transcript variant (2).
Genome position (GRCh38, 1-based): chr20:58,895,629, A>G. VCF-style: chr20-58895629-A-G. GRCh37 (hg19) VCF-style: chr20-57470684-A-G.
Other names: c.157A>G, p.Lys53Glu (NM_001077488.5, NM_001077489.4, NM_001309842.2 and 1 more transcripts); c.*18A>G (NM_001077490.3); c.-21A>G (NM_001309840.2, NM_001309861.2); c.*176A>G (NM_001309883.1); c.*60A>G (NM_016592.5); c.2086A>G, p.Lys696Glu (NM_080425.4); short protein forms K53E, K696E.
Identifiers: ClinVar variation 1452493 (VCV001452493.6), dbSNP rs2146005743, ClinGen allele CA409449596.